The following is an entry in ClinVar:

NM_001128178.3(NPHP1):c.629A>G (p.Tyr210Cys)

Gene: NPHP1 (nephrocystin 1; minus strand). Cytogenetic location: 2q13.
Variant type: single nucleotide variant.
Coding change: c.629A>G on transcript NM_001128178.3 (MANE Select); coding-DNA position 629, A replaced by G.
Protein change: p.Tyr210Cys; replaces tyrosine 210 with cysteine.
Molecular consequence: missense variant.
Genome position (GRCh38, 1-based): chr2:110,165,151, T>C on the plus strand (A>G on the coding strand, the complement: NPHP1 is on the minus strand). VCF-style: chr2-110165151-T-C. GRCh37 (hg19) VCF-style: chr2-110922728-T-C.
Other names: c.629A>G, p.Tyr210Cys (NM_000272.5, NM_001374256.1, NM_001374257.1 and 1 more transcripts); c.443A>G, p.Tyr148Cys (NM_001128179.3); short protein forms Y148C, Y210C.
Identifiers: ClinVar variation 1480399 (VCV001480399.5), dbSNP rs1273893174, ClinGen allele CA348092462.

ClinVar aggregate classification (germline): Uncertain significance (1 of 4 stars; one submission).

Conditions:
Nephronophthisis. Also called: Juvenile Nephronophthisis. Identifiers: Orphanet 655, MedGen C0687120, MONDO:0019005, HP:0000090.

Allele frequency attached by ClinVar (database versions not stated): gnomAD exomes below 0.00001.
gnomAD v4.1: 2 of 1,611,142 alleles (0.00012%); highest among the groups gnomAD compares: East Asian, 0.0045%; no homozygotes.

Submission:

Labcorp Genetics (formerly Invitae), Labcorp
Classification: Uncertain significance for Nephronophthisis. Last evaluated: 2021-08-31. Review status: criteria provided, single submitter. Criteria: Invitae Variant Classification Sherloc (09022015). Collection method: clinical testing. Allele origin: germline.
Comment: This sequence change replaces tyrosine with cysteine at codon 210 of the NPHP1 protein (p.Tyr210Cys). The tyrosine residue is moderately conserved and there is a large physicochemical difference between tyrosine and cysteine. This variant is not present in population databases (ExAC no frequency). This variant has not been reported in the literature in individuals affected with NPHP1-related conditions. Algorithms developed to predict the effect of missense changes on protein structure and function output the following: SIFT: "Tolerated"; PolyPhen-2: "Benign"; Align-GVGD: "Class C0". The cysteine amino acid residue is found in multiple mammalian species, which suggests that this missense change does not adversely affect protein function. In summary, the available evidence is currently insufficient to determine the role of this variant in disease. Therefore, it has been classified as a Variant of Uncertain Significance.